The following is an entry in ClinVar:

ClinVar aggregate classification (germline): Uncertain significance. Review status: criteria provided, multiple submitters, no conflicts (2 of 4 stars). 3 submissions from 3 submitters: Uncertain significance (3). Last evaluated 2026-02-01.

Conditions:
Inborn genetic diseases. Identifiers: MedGen C0950123, MeSH D030342.

Allele frequency attached by ClinVar (database versions not stated): gnomAD exomes below 0.00001; TOPMed below 0.00001; gnomAD 0.00001.
gnomAD v4.1: 4 of 1,602,278 alleles (0.00025%); highest among the groups gnomAD compares: Admixed American, 0.0068%; no homozygotes.

Submissions (3):

CeGaT Center for Human Genetics Tuebingen
Classification: Uncertain significance. Last evaluated: 2026-02-01. Review status: criteria provided, single submitter. Criteria: CeGaT Center For Human Genetics Tuebingen Variant Classification Criteria Version 2. Collection method: clinical testing. Allele origin: germline. Affected: yes. Observed: 1 variant allele.

Labcorp Genetics (formerly Invitae), Labcorp
Classification: Uncertain significance. Last evaluated: 2023-07-17. Review status: criteria provided, single submitter. Criteria: Invitae Variant Classification Sherloc (09022015). Collection method: clinical testing. Allele origin: germline.
Comment: This sequence change replaces valine, which is neutral and non-polar, with isoleucine, which is neutral and non-polar, at codon 29 of the KIF2A protein (p.Val29Ile). In summary, the available evidence is currently insufficient to determine the role of this variant in disease. Therefore, it has been classified as a Variant of Uncertain Significance. An algorithm developed to predict the effect of missense changes on protein structure and function (PolyPhen-2) suggests that this variant is likely to be disruptive. ClinVar contains an entry for this variant (Variation ID: 1376780). This variant has not been reported in the literature in individuals affected with KIF2A-related conditions. The frequency data for this variant in the population databases is considered unreliable, as metrics indicate poor data quality at this position in the gnomAD database.

Ambry Genetics
Classification: Uncertain significance for Inborn genetic diseases. Last evaluated: 2021-07-09. Review status: criteria provided, single submitter. Criteria: Ambry Variant Classification Scheme 2023. Collection method: clinical testing. Allele origin: germline.

NM_001098511.3(KIF2A):c.85G>A (p.Val29Ile)

Gene: KIF2A (kinesin family member 2A; plus strand). Cytogenetic location: 5q12.1.
Variant type: single nucleotide variant.
Coding change: c.85G>A on transcript NM_001098511.3 (MANE Select); coding-DNA position 85, G replaced by A.
Protein change: p.Val29Ile; replaces valine 29 with isoleucine.
Molecular consequence: missense variant.
Genome position (GRCh38, 1-based): chr5:62,347,150, G>A. VCF-style: chr5-62347150-G-A. GRCh37 (hg19) VCF-style: chr5-61642977-G-A.
Other names: c.4G>A, p.Val2Ile (NM_001243952.2); c.85G>A, p.Val29Ile (NM_001243953.2, NM_004520.5); c.85G>A (NM_001098511.2); short protein forms V29I, V2I.
Identifiers: ClinVar variation 1376780 (VCV001376780.11), dbSNP rs1276930329, ClinGen allele CA359948202.